The following is an entry in ClinVar:

ClinVar aggregate classification (germline): Likely benign. Review status: criteria provided, multiple submitters, no conflicts (2 of 4 stars). 2 submissions from 2 submitters: Likely benign (2). Last evaluated 2025-10-27.

Conditions:
ITGB4-related disorder. Also called: ITGB4-related condition.

Allele frequency attached by ClinVar (database versions not stated): ExAC 0.00001; gnomAD exomes 0.00001; gnomAD 0.00002; TOPMed 0.00003; ESP Exome Variant Server 0.00008.
gnomAD v4.1: 23 of 1,613,704 alleles (0.0014%); highest among the groups gnomAD compares: African/African-American, 0.004%; no homozygotes.

Submissions (2):

PreventionGenetics, part of Exact Sciences
Classification: Likely benign for ITGB4-related condition. Last evaluated: 2025-10-27. Review status: criteria provided, single submitter. Criteria: ACMG Guidelines, 2015. Collection method: clinical testing. Allele origin: germline.
Comment: This variant is classified as likely benign based on ACMG/AMP sequence variant interpretation guidelines (Richards et al. 2015 PMID: 25741868, with internal and published modifications).

Labcorp Genetics (formerly Invitae), Labcorp
Classification: Likely benign. Last evaluated: 2025-06-12. Review status: criteria provided, single submitter. Criteria: Invitae Variant Classification Sherloc (09022015). Collection method: clinical testing. Allele origin: germline.

NM_000213.5(ITGB4):c.3411C>T (p.Ala1137=)

Gene: ITGB4 (integrin subunit beta 4; plus strand). Cytogenetic location: 17q25.1.
Variant type: single nucleotide variant.
Coding change: c.3411C>T on transcript NM_000213.5 (MANE Select); coding-DNA position 3411, C replaced by T.
Protein change: p.Ala1137=; no amino-acid change (alanine 1137 retained).
Molecular consequence: synonymous variant.
Genome position (GRCh38, 1-based): chr17:75,750,205, C>T. VCF-style: chr17-75750205-C-T. GRCh37 (hg19) VCF-style: chr17-73746286-C-T.
Other names: c.3411C>T, p.Ala1137= (NM_001005619.2, NM_001005731.3, NM_001321123.2); c.3411C>T (NM_000213.4).
Identifiers: ClinVar variation 2079431 (VCV002079431.5), dbSNP rs374304884, ClinGen allele CA8769820.